The following is an entry in ClinVar:

NM_177438.3(DICER1):c.4051-15T>C

Gene: DICER1 (dicer 1, ribonuclease III; minus strand). Cytogenetic location: 14q32.13.
Variant type: single nucleotide variant.
Coding change: c.4051-15T>C on transcript NM_177438.3 (MANE Select); 15 bases into the intron before coding-DNA position 4051, T replaced by C.
Molecular consequence: intron variant.
Genome position (GRCh38, 1-based): chr14:95,099,950, A>G on the plus strand (T>C on the coding strand, the complement: DICER1 is on the minus strand). VCF-style: chr14-95099950-A-G. GRCh37 (hg19) VCF-style: chr14-95566287-A-G.
Other names: c.4051-15T>C (NM_001291628.2, NM_030621.4, NM_001395677.1 and 12 more transcripts); c.3646-15T>C (NM_001395690.1, NM_001395687.1, NM_001395689.1 and 2 more transcripts); c.3769-15T>C (NM_001395686.1); c.3484-15T>C (NM_001395691.1); c.2368-15T>C (NM_001395697.1).
Identifiers: ClinVar variation 4875849 (VCV004875849.1).

ClinVar aggregate classification (germline): Likely benign (1 of 4 stars; one submission).

Conditions:
DICER1-related tumor predisposition. Also called: DICER1-related pleuropulmonary blastoma cancer predisposition syndrome; DICER1 syndrome. Identifiers: Orphanet 284343, MedGen C3839822, MONDO:0100216.

gnomAD v4.1: 3 of 1,613,808 alleles (0.00019%); highest among the groups gnomAD compares: Middle Eastern, 0.033%; 1 homozygote.

Submission:

Myriad Genetics, Inc.
Classification: Likely benign for DICER1-related tumor predisposition. Last evaluated: 2026-04-13. Review status: criteria provided, single submitter. Criteria: Myriad Autosomal Dominant, Autosomal Recessive and X-Linked Classification Criteria (2023). Collection method: clinical testing. Allele origin: unknown.
Comment: This variant is considered likely benign. This variant is intronic and is not expected to impact mRNA splicing.